The following is an entry in ClinVar:

ClinVar aggregate classification (germline): Uncertain significance (1 of 4 stars; one submission).

Allele frequency attached by ClinVar (database versions not stated): gnomAD 0.00001.
gnomAD v4.1: 1 of 1,614,032 alleles (0.000062%); highest among the groups gnomAD compares: African/African-American, 0.0013%; no homozygotes.

Submission:

GeneDx
Classification: Uncertain significance. Last evaluated: 2023-07-19. Review status: criteria provided, single submitter. Criteria: GeneDx Variant Classification Process June 2021. Collection method: clinical testing. Allele origin: germline. Affected: yes.
Comment: Not observed at significant frequency in large population cohorts (gnomAD); In silico analysis supports that this missense variant has a deleterious effect on protein structure/function; Has not been previously published as pathogenic or benign to our knowledge

NM_002875.5(RAD51):c.200G>A (p.Ser67Asn)

Gene: RAD51 (RAD51 recombinase; plus strand). Cytogenetic location: 15q15.1.
Variant type: single nucleotide variant.
Coding change: c.200G>A on transcript NM_002875.5 (MANE Select); coding-DNA position 200, G replaced by A.
Protein change: p.Ser67Asn; replaces serine 67 with asparagine.
Molecular consequence: missense variant.
Genome position (GRCh38, 1-based): chr15:40,701,176, G>A. VCF-style: chr15-40701176-G-A. GRCh37 (hg19) VCF-style: chr15-40993374-G-A.
Other names: c.200G>A, p.Ser67Asn (NM_001164269.2, NM_001164270.2, NM_133487.4); short protein forms S67N.
Identifiers: ClinVar variation 1695556 (VCV001695556.3), dbSNP rs1163399253, ClinGen allele CA391746494.